The following is an entry in ClinVar:

NM_005094.4(SLC27A4):c.878-1G>A

Gene: SLC27A4 (solute carrier family 27 member 4; plus strand). Cytogenetic location: 9q34.11.
Variant type: single nucleotide variant.
Coding change: c.878-1G>A on transcript NM_005094.4 (MANE Select); the canonical splice acceptor site of the intron before coding-DNA position 878, G replaced by A.
Molecular consequence: splice acceptor variant.
Genome position (GRCh38, 1-based): chr9:128,352,637, G>A. VCF-style: chr9-128352637-G-A. GRCh37 (hg19) VCF-style: chr9-131114916-G-A.
Identifiers: ClinVar variation 2014020 (VCV002014020.4), dbSNP rs1237832401, ClinGen allele CA375033519.

ClinVar aggregate classification (germline): Pathogenic (1 of 4 stars; one submission).

Submission:

Labcorp Genetics (formerly Invitae), Labcorp
Classification: Pathogenic. Last evaluated: 2022-07-04. Review status: criteria provided, single submitter. Criteria: Invitae Variant Classification Sherloc (09022015). Collection method: clinical testing. Allele origin: germline.
Comment: Algorithms developed to predict the effect of sequence changes on RNA splicing suggest that this variant may disrupt the consensus splice site. For these reasons, this variant has been classified as Pathogenic. Disruption of this splice site has been observed in individual(s) with clinical features of SLC27A4-related conditions (Invitae). In at least one individual the data is consistent with being in trans (on the opposite chromosome) from a pathogenic variant. This sequence change affects an acceptor splice site in intron 6 of the SLC27A4 gene. It is expected to disrupt RNA splicing. Variants that disrupt the donor or acceptor splice site typically lead to a loss of protein function (PMID: 16199547), and loss-of-function variants in SLC27A4 are known to be pathogenic (PMID: 19631310, 21450060). This variant is not present in population databases (gnomAD no frequency).

Literature cited by the submitters: PubMed 16199547; PubMed 19631310; PubMed 21450060.